The following is an entry in ClinVar:

NM_000298.6(PKLR):c.727G>T (p.Gly243Cys)

Gene: PKLR (pyruvate kinase L/R; minus strand). Cytogenetic location: 1q22.
Variant type: single nucleotide variant.
Coding change: c.727G>T on transcript NM_000298.6 (MANE Select); coding-DNA position 727, G replaced by T.
Protein change: p.Gly243Cys; replaces glycine 243 with cysteine.
Molecular consequence: missense variant.
Genome position (GRCh38, 1-based): chr1:155,294,720, C>A on the plus strand (G>T on the coding strand, the complement: PKLR is on the minus strand). VCF-style: chr1-155294720-C-A. GRCh37 (hg19) VCF-style: chr1-155264511-C-A.
Other names: c.634G>T, p.Gly212Cys (NM_181871.4); short protein forms G243C, G212C.
Identifiers: ClinVar variation 2855600 (VCV002855600.3), dbSNP rs745797890, ClinGen allele CA342754685.
Genomic context (GRCh38, chr1:155,294,720, plus strand): 5'-CGGGCAAGTCCACCTGGGCCCCTGGCAAGTTCACGCCCTTCCGGCTGCCCAGGACGCCGC[C>A]GTTCTCCACTTGGGTCACCAGTCCCTCTGGGCCTGCGGACATGGAAAGAGCCAGCTGCGG-3'
Protein context (NP_000289.1, residues 233-253): PEGLVTQVEN[Gly243Cys]GVLGSRKGVN

ClinVar aggregate classification (germline): Uncertain significance (1 of 4 stars; one submission).

Submission:

Labcorp Genetics (formerly Invitae), Labcorp
Classification: Uncertain significance. Last evaluated: 2023-04-22. Review status: criteria provided, single submitter. Criteria: Invitae Variant Classification Sherloc (09022015). Collection method: clinical testing. Allele origin: germline.
Comment: This sequence change replaces glycine, which is neutral and non-polar, with cysteine, which is neutral and slightly polar, at codon 243 of the PKLR protein (p.Gly243Cys). This variant is not present in population databases (gnomAD no frequency). This variant has not been reported in the literature in individuals affected with PKLR-related conditions. Advanced modeling of protein sequence and biophysical properties (such as structural, functional, and spatial information, amino acid conservation, physicochemical variation, residue mobility, and thermodynamic stability) performed at Invitae indicates that this missense variant is expected to disrupt PKLR protein function. In summary, the available evidence is currently insufficient to determine the role of this variant in disease. Therefore, it has been classified as a Variant of Uncertain Significance.